The following is an entry in ClinVar:

ClinVar aggregate classification (germline): Likely pathogenic (1 of 4 stars; one submission).

Conditions:
VPS13A-related neurodegenerative disease. Also called: LEVINE-CRITCHLEY SYNDROME; Choreoacanthocytosis; Chorea-acanthocytosis; ACANTHOCYTOSIS WITH NEUROLOGIC DISORDER; VPS13A Disease; Choreaacanthocytosis. Identifiers: Orphanet 2388, MedGen C0393576, MONDO:0008695, OMIM 200150.

Submission:

Natera, Inc.
Classification: Likely pathogenic for Choreaacanthocytosis. Last evaluated: 2025-08-20. Review status: criteria provided, single submitter. Criteria: Natera Variant Classification Schema (03/2026). Collection method: clinical testing. Allele origin: germline.
Comment: The c.2485_2486del variant in VPS13A is a frameshift variant predicted to shift the reading frame beginning at codon 829 and leads to a stop codon 7 codons downstream. This variant is expected to result in nonsense mediated decay, truncation, or a dysfunctional protein product. This variant is rare in the general population with a frequency below the threshold expected for the associated phenotype(s). Given the available evidence, this variant is classified as Likely Pathogenic.

NM_033305.3(VPS13A):c.2485_2486del (p.Leu829fs)

Gene: VPS13A (vacuolar protein sorting 13 homolog A; plus strand). Cytogenetic location: 9q21.2.
Variant type: Deletion.
Coding change: c.2485_2486del on transcript NM_033305.3 (MANE Select); coding-DNA positions 2485 to 2486, 2 bases deleted (TT; older notation c.2485_2486delTT).
Protein change: p.Leu829fs; shifts the reading frame from leucine 829.
Molecular consequence: frameshift variant.
Genome position (GRCh38, 1-based): chr9:77,273,337-77,273,338, TT deleted. VCF-style (leftmost placement, unchanged base first): chr9-77273336-CTT-C. GRCh37 (hg19) VCF-style: chr9-79888252-CTT-C.
Other names: c.2485_2486del, p.Leu829fs (NM_001018037.2, NM_001018038.3, NM_015186.4); short protein forms L829fs.
Identifiers: ClinVar variation 4816386 (VCV004816386.1).